The following is an entry in ClinVar:

NM_001414002.2(SSU72L5):c.36C>T (p.Cys12=)

Gene: SSU72L5 (SSU72 like 5; plus strand). Cytogenetic location: 11p15.4.
Variant type: single nucleotide variant.
Coding change: c.36C>T on transcript NM_001414002.2 (MANE Select); coding-DNA position 36, C replaced by T.
Protein change: p.Cys12=; no amino-acid change (cysteine 12 retained).
Molecular consequence: synonymous variant.
Genome position (GRCh38, 1-based): chr11:4,233,323, C>T. VCF-style: chr11-4233323-C-T. GRCh37 (hg19) VCF-style: chr11-4254553-C-T.
Identifiers: ClinVar variation 4084634 (VCV004084634.8).

ClinVar aggregate classification (germline): Likely benign (1 of 4 stars; one submission).

Submission:

CeGaT Center for Human Genetics Tuebingen
Classification: Likely benign. Last evaluated: 2025-07-01. Review status: criteria provided, single submitter. Criteria: CeGaT Center For Human Genetics Tuebingen Variant Classification Criteria Version 2. Collection method: clinical testing. Allele origin: germline. Affected: yes. Observed: 1 variant allele.
Comment: SSU72L5: BP4, BP7